The following is an entry in ClinVar:

ClinVar aggregate classification (germline): Uncertain significance (1 of 4 stars; one submission).

Conditions:
EGFR-related lung cancer (EGFR). Identifiers: MedGen CN130014.

gnomAD v4.1: 1 of 1,613,574 alleles (0.000062%); highest among the groups gnomAD compares: Non-Finnish European, 0.000085%; no homozygotes.

Submission:

Labcorp Genetics (formerly Invitae), Labcorp
Classification: Uncertain significance for EGFR-related lung cancer. Last evaluated: 2024-11-05. Review status: criteria provided, single submitter. Criteria: Invitae Variant Classification Sherloc (09022015). Collection method: clinical testing. Allele origin: germline.
Comment: This sequence change replaces alanine, which is neutral and non-polar, with aspartic acid, which is acidic and polar, at codon 1076 of the EGFR protein (p.Ala1076Asp). This variant is not present in population databases (gnomAD no frequency). This variant has not been reported in the literature in individuals affected with EGFR-related conditions. ClinVar contains an entry for this variant (Variation ID: 1389062). An algorithm developed to predict the effect of missense changes on protein structure and function (PolyPhen-2) suggests that this variant is likely to be tolerated. In summary, the available evidence is currently insufficient to determine the role of this variant in disease. Therefore, it has been classified as a Variant of Uncertain Significance.

NM_005228.5(EGFR):c.3227C>A (p.Ala1076Asp)

Gene: EGFR (epidermal growth factor receptor; plus strand). Cytogenetic location: 7p11.2.
Variant type: single nucleotide variant.
Coding change: c.3227C>A on transcript NM_005228.5 (MANE Select); coding-DNA position 3227, C replaced by A.
Protein change: p.Ala1076Asp; replaces alanine 1076 with aspartic acid.
Molecular consequence: missense variant.
Genome position (GRCh38, 1-based): chr7:55,202,581, C>A. VCF-style: chr7-55202581-C-A. GRCh37 (hg19) VCF-style: chr7-55270274-C-A.
Other names: c.3092C>A, p.Ala1031Asp (NM_001346897.2, NM_001346899.2); c.3227C>A, p.Ala1076Asp (NM_001346898.2); c.3068C>A, p.Ala1023Asp (NM_001346900.2); c.2426C>A, p.Ala809Asp (NM_001346941.2); short protein forms A1023D, A1076D, A1031D, A809D.
Identifiers: ClinVar variation 1389062 (VCV001389062.8), dbSNP rs755868272, ClinGen allele CA367583399.
Genomic context (GRCh38, chr7:55,202,581, plus strand): 5'-AAAGCTGTCCCATCAAGGAAGACAGCTTCTTGCAGCGATACAGCTCAGACCCCACAGGCG[C>A]CTTGACTGAGGACAGCATAGACGACACCTTCCTCCCAGTGCCTGGTGAGTGGCTTGTCTG-3'
Protein context (NP_005219.2, residues 1066-1086): LQRYSSDPTG[Ala1076Asp]LTEDSIDDTF